The following is an entry in ClinVar:

ClinVar aggregate classification (germline): Likely benign. Review status: criteria provided, multiple submitters, no conflicts (2 of 4 stars). 2 submissions from 2 submitters: Likely benign (2). Last evaluated 2024-08-08.

Allele frequency attached by ClinVar (database versions not stated): gnomAD exomes below 0.00001; gnomAD 0.00003; TOPMed 0.00004.
gnomAD v4.1: 8 of 1,550,314 alleles (0.00052%); highest among the groups gnomAD compares: East Asian, 0.0073%; no homozygotes.

Submissions (2):

Labcorp Genetics (formerly Invitae), Labcorp
Classification: Likely benign. Last evaluated: 2024-08-08. Review status: criteria provided, single submitter. Criteria: Invitae Variant Classification Sherloc (09022015). Collection method: clinical testing. Allele origin: germline.

CeGaT Center for Human Genetics Tuebingen
Classification: Likely benign. Last evaluated: 2022-08-01. Review status: criteria provided, single submitter. Criteria: CeGaT Center For Human Genetics Tuebingen Variant Classification Criteria Version 2. Collection method: clinical testing. Allele origin: germline. Affected: yes. Observed: 1 variant allele.
Comment: ITGAM: BP4

NM_000632.4(ITGAM):c.2869-8C>T

Gene: ITGAM (integrin subunit alpha M; plus strand). Cytogenetic location: 16p11.2.
Variant type: single nucleotide variant.
Coding change: c.2869-8C>T on transcript NM_000632.4 (MANE Select); 8 bases into the intron before coding-DNA position 2869, C replaced by T.
Molecular consequence: intron variant.
Genome position (GRCh38, 1-based): chr16:31,329,790, C>T. VCF-style: chr16-31329790-C-T. GRCh37 (hg19) VCF-style: chr16-31341111-C-T.
Other names: c.2872-8C>T (NM_001145808.2).
Identifiers: ClinVar variation 2646475 (VCV002646475.26), dbSNP rs1187142568, ClinGen allele CA621883291.